The following is an entry in ClinVar:

ClinVar aggregate classification (germline): Likely pathogenic (1 of 4 stars; one submission).

Conditions:
Intellectual developmental disorder, X-linked 90. Also called: DLG3-Related X-Linked Nonsyndromic Mental Retardation; Intellectual disability, X-linked 90. Identifiers: Orphanet 777, MedGen C3275443, MONDO:0010452, OMIM 300850.

Submission:

Equipe Genetique des Anomalies du Developpement, Université de Bourgogne
Classification: Likely pathogenic for Intellectual developmental disorder, X-linked 90. Last evaluated: 2025-01-31. Review status: criteria provided, single submitter. Criteria: ACMG Guidelines, 2015. Collection method: clinical testing. Allele origin: germline. Affected: yes.
Comment: This variant is an insertion of one nucleotide predicted to result in a premature stop codon at position 89 and likely results in an absent protein product. It is present in a hemizygous state. Hemizygous pathogenic variants in DLG3 are reported in an autosomal dominant intellectual disability (OMIM #300850). This variant is not present in population database gnomAD (v4.1.0). It has not been reported in ClinVar and in the literature. Based on these evidences, the variant was classified as likely pathogenic.

NM_021120.4(DLG3):c.131dup (p.Asn45fs)

Gene: DLG3 (discs large MAGUK scaffold protein 3; plus strand). Cytogenetic location: Xq13.1.
Variant type: Duplication.
Coding change: c.131dup on transcript NM_021120.4 (MANE Select); coding-DNA position 131, one base duplicated (G; older notation c.131dupG).
Protein change: p.Asn45fs; shifts the reading frame from asparagine 45.
Molecular consequence: frameshift variant.
Genome position (GRCh38, 1-based): chrX:70,445,332, G duplicated; the last of 5 consecutive G bases (chrX:70,445,328-70,445,332); duplicating any one gives the same sequence. VCF-style (leftmost placement, unchanged base first): chrX-70445327-T-TG. GRCh37 (hg19) VCF-style: chrX-69665177-T-TG.
Other names: short protein forms N45fs.
Identifiers: ClinVar variation 3770137 (VCV003770137.1).